The following is an entry in ClinVar:

ClinVar aggregate classification (germline): Uncertain significance (1 of 4 stars; one submission).

Submission:

Labcorp Genetics (formerly Invitae), Labcorp
Classification: Uncertain significance. Last evaluated: 2020-02-18. Review status: criteria provided, single submitter. Criteria: Invitae Variant Classification Sherloc (09022015). Collection method: clinical testing. Allele origin: germline.
Comment: This variant, c.760_762del, results in the deletion of 1 amino acid(s) of the PDE6A protein (p.Asp254del), but otherwise preserves the integrity of the reading frame. This variant is not present in population databases (ExAC no frequency). This variant has not been reported in the literature in individuals with PDE6A-related conditions. Experimental studies and prediction algorithms are not available or were not evaluated, and the functional significance of this variant is currently unknown. In summary, the available evidence is currently insufficient to determine the role of this variant in disease. Therefore, it has been classified as a Variant of Uncertain Significance.

NM_000440.3(PDE6A):c.760_762del (p.Asp254del)

Gene: PDE6A (phosphodiesterase 6A; minus strand). Cytogenetic location: 5q32.
Variant type: Deletion.
Coding change: c.760_762del on transcript NM_000440.3 (MANE Select); coding-DNA positions 760 to 762, 3 bases deleted (GAC; older notation c.760_762delGAC).
Protein change: p.Asp254del; deletes aspartic acid 254.
Molecular consequence: inframe deletion.
Genome position (GRCh38, 1-based): chr5:149,931,124-149,931,126, GTC deleted on the plus strand (GAC on the coding strand, the reverse complement: PDE6A is on the minus strand). VCF-style (leftmost placement, unchanged base first): chr5-149931123-TGTC-T. GRCh37 (hg19) VCF-style: chr5-149310686-TGTC-T.
Other names: short protein forms D254del.
Identifiers: ClinVar variation 1007195 (VCV001007195.9), dbSNP rs1754022672, ClinGen allele CA1590716560.